The following is an entry in ClinVar:

ClinVar aggregate classification (germline): Uncertain significance (1 of 4 stars; one submission).

Submission:

Labcorp Genetics (formerly Invitae), Labcorp
Classification: Uncertain significance. Last evaluated: 2025-09-29. Review status: criteria provided, single submitter. Criteria: Invitae Variant Classification Sherloc (09022015). Collection method: clinical testing. Allele origin: germline.
Comment: This sequence change replaces methionine, which is neutral and non-polar, with valine, which is neutral and non-polar, at codon 107 of the POLR3B protein (p.Met107Val). This variant is present in population databases (no rsID available, gnomAD 0.006%). This variant has not been reported in the literature in individuals affected with POLR3B-related conditions. Invitae Evidence Modeling of protein sequence and biophysical properties (such as structural, functional, and spatial information, amino acid conservation, physicochemical variation, residue mobility, and thermodynamic stability) indicates that this missense variant is not expected to disrupt POLR3B protein function with a negative predictive value of 80%. In summary, the available evidence is currently insufficient to determine the role of this variant in disease. Therefore, it has been classified as a Variant of Uncertain Significance.

NM_018082.6(POLR3B):c.319A>G (p.Met107Val)

Gene: POLR3B (RNA polymerase III subunit B; plus strand). Cytogenetic location: 12q23.3.
Variant type: single nucleotide variant.
Coding change: c.319A>G on transcript NM_018082.6 (MANE Select); coding-DNA position 319, A replaced by G.
Protein change: p.Met107Val; replaces methionine 107 with valine.
Molecular consequence: missense variant.
Genome position (GRCh38, 1-based): chr12:106,369,598, A>G. VCF-style: chr12-106369598-A-G. GRCh37 (hg19) VCF-style: chr12-106763376-A-G.
Other names: c.145A>G, p.Met49Val (NM_001160708.2); short protein forms M107V, M49V.
Identifiers: ClinVar variation 4811398 (VCV004811398.1).
Genomic context (GRCh38, chr12:106,369,598, plus strand): 5'-TTGCAGAGAGGAGCAGTAACTGTCAGATTCCTGATTCTCTTTCAGTGCCGTTTGAGAGAC[A>G]TGACATACTCTGCCCCTATTACAGTGGATATTGAATATACCCGAGGCAGCCAGAGGATCA-3'
Protein context (NP_060552.4, residues 97-117): VSPHECRLRD[Met107Val]TYSAPITVDI